The following is an entry in ClinVar:

ClinVar aggregate classification (germline): Uncertain significance. Review status: criteria provided, single submitter (1 of 4 stars). 2 submissions from 2 submitters: Uncertain significance (1). 1 of the submissions does not count toward it. Last evaluated 2025-08-06.

Conditions:
LAMA5-related disorder. Also called: LAMA5-Related Disorders; LAMA5-related condition.
Inborn genetic diseases. Identifiers: MedGen C0950123, MeSH D030342.

Allele frequency attached by ClinVar (database versions not stated): gnomAD 0.00005; 1000 Genomes Project 30x 0.00031; 1000 Genomes Project 0.00040.
gnomAD v4.1: 39 of 1,612,834 alleles (0.0024%); highest among the groups gnomAD compares: South Asian, 0.013%; 1 homozygote.

Submissions (2):

Ambry Genetics
Classification: Uncertain significance for Inborn genetic diseases. Last evaluated: 2025-08-06. Review status: criteria provided, single submitter. Criteria: Ambry Variant Classification Scheme 2023. Collection method: clinical testing. Allele origin: germline.

PreventionGenetics, part of Exact Sciences
Classification: Uncertain significance for LAMA5-related condition. Last evaluated: 2024-02-22. Review status: no assertion criteria provided. Collection method: clinical testing. Allele origin: germline. Not counted in ClinVar's aggregate classification.
Comment: The LAMA5 c.8155G>A variant is predicted to result in the amino acid substitution p.Val2719Met. To our knowledge, this variant has not been reported in the literature. This variant is reported in 0.0065% of alleles in individuals of South Asian descent in gnomAD. At this time, the clinical significance of this variant is uncertain due to the absence of conclusive functional and genetic evidence.

NM_005560.6(LAMA5):c.8155G>A (p.Val2719Met)

Gene: LAMA5 (laminin subunit alpha 5; minus strand). Cytogenetic location: 20q13.33.
Variant type: single nucleotide variant.
Coding change: c.8155G>A on transcript NM_005560.6 (MANE Select); coding-DNA position 8155, G replaced by A.
Protein change: p.Val2719Met; replaces valine 2719 with methionine.
Molecular consequence: missense variant.
Genome position (GRCh38, 1-based): chr20:62,314,840, C>T on the plus strand (G>A on the coding strand, the complement: LAMA5 is on the minus strand). VCF-style: chr20-62314840-C-T. GRCh37 (hg19) VCF-style: chr20-60889896-C-T.
Other names: c.8155G>A (NM_005560.3); short protein forms V2719M.
Identifiers: ClinVar variation 3041040 (VCV003041040.3), dbSNP rs547534421, ClinGen allele CA9940858.